The following is an entry in ClinVar:

ClinVar aggregate classification (germline): Conflicting classifications of pathogenicity. Review status: criteria provided, conflicting classifications (1 of 4 stars). 7 submissions from 7 submitters: Uncertain significance (6); Likely benign (1). Last evaluated 2026-03-03.

Conditions:
Inborn genetic diseases. Identifiers: MedGen C0950123, MeSH D030342.
Hereditary spastic paraplegia. Also called: Familial spastic paraparesis. Identifiers: Orphanet 685, MedGen C0037773, MONDO:0019064. Disease mechanism: loss of function.
Hereditary spastic paraplegia 30. Identifiers: Orphanet 101010, MedGen C5235139, MONDO:0012476.
Neuropathy, hereditary sensory, type 2C. Also called: Hereditary sensory and autonomic neuropathy type IIC; KIF1A-Related HSAN2 (HSAN2C). Identifiers: Orphanet 970, MedGen C3280168, MONDO:0013634, OMIM 614213.
Intellectual disability, autosomal dominant 9 (NESCAVS). Also called: KIF1A-Related Neurodevelopmental Disorder; NESCAV SYNDROME. Identifiers: Orphanet 662367, MedGen C5393830, MONDO:0013656, OMIM 614255.
KIF1A-related disorder. Also called: KIF1A-related disorders; KIF1A-related condition.

Allele frequency attached by ClinVar (database versions not stated): TOPMed 0.00005; gnomAD 0.00007 and 0.00008; ESP Exome Variant Server 0.00016.
gnomAD v4.1: 50 of 1,611,566 alleles (0.0031%); highest among the groups gnomAD compares: African/African-American, 0.015%; no homozygotes.

Submissions (7):

PreventionGenetics, part of Exact Sciences
Classification: Uncertain significance for KIF1A-related condition. Last evaluated: 2026-03-03. Review status: criteria provided, single submitter. Criteria: ACMG Guidelines, 2015. Collection method: clinical testing. Allele origin: germline.
Comment: The KIF1A c.5368C>T variant is predicted to result in the amino acid substitution p.Arg1790Trp. This variant has been reported in a patient with amyotrophic lateral sclerosis (Supp. Table 2, Liao et al. 2022. PubMed ID: 36284339). This variant is reported in 0.017% of alleles in individuals of East Asian descent in gnomAD. At this time, the clinical significance of this variant is uncertain due to the absence of conclusive functional and genetic evidence.

CeGaT Center for Human Genetics Tuebingen
Classification: Uncertain significance. Last evaluated: 2024-12-01. Review status: criteria provided, single submitter. Criteria: CeGaT Center For Human Genetics Tuebingen Variant Classification Criteria Version 2. Collection method: clinical testing. Allele origin: germline. Affected: yes. Observed: 1 variant allele.

Labcorp Genetics (formerly Invitae), Labcorp
Classification: Likely benign for Hereditary spastic paraplegia 30; Neuropathy, hereditary sensory, type 2C; Intellectual disability, autosomal dominant 9. Last evaluated: 2024-07-19. Review status: criteria provided, single submitter. Criteria: Invitae Variant Classification Sherloc (09022015). Collection method: clinical testing. Allele origin: germline.

GeneDx
Classification: Uncertain significance. Last evaluated: 2023-04-20. Review status: criteria provided, single submitter. Criteria: GeneDx Variant Classification Process June 2021. Collection method: clinical testing. Allele origin: germline. Affected: yes.
Comment: In silico analysis supports that this missense variant has a deleterious effect on protein structure/function; Previously identified in an individual with ALS (Liao et al., 2022); This variant is associated with the following publications: (PMID: 30567904, 36284339)

Revvity Omics, Revvity
Classification: Uncertain significance. Last evaluated: 2021-04-13. Review status: criteria provided, single submitter. Criteria: ACMG Guidelines, 2015. Collection method: clinical testing. Allele origin: germline.

Genome Diagnostics Laboratory, The Hospital for Sick Children
Classification: Uncertain significance for Hereditary spastic paraplegia. Last evaluated: 2016-12-12. Review status: criteria provided, single submitter. Criteria: ACMG Guidelines, 2015. Collection method: clinical testing. Allele origin: germline. Affected: yes.

Ambry Genetics
Classification: Uncertain significance for Inborn genetic diseases. Last evaluated: 2016-10-24. Review status: criteria provided, single submitter. Criteria: Ambry Variant Classification Scheme 2023. Collection method: clinical testing. Allele origin: germline.
Comment: The p.R1689W variant (also known as c.5065C>T), located in coding exon 46 of the KIF1A gene, results from a C to T substitution at nucleotide position 5065. The arginine at codon 1689 is replaced by tryptophan, an amino acid with dissimilar properties. This variant was previously reported in the SNPDatabase as rs375509312. Based on data from the NHLBI Exome Sequencing Project (ESP), the T allele has an overall frequency of approximately 0.02% (2/12638) total alleles studied and 0.02% (2/8430) European American alleles. This amino acid position is highly conserved in available vertebrate species. In addition, the in silico prediction for this alteration is inconclusive. Since supporting evidence is limited at this time, the clinical significance of this alteration remains unclear.

NM_001244008.2(KIF1A):c.5368C>T (p.Arg1790Trp)

Gene: KIF1A (kinesin family member 1A; minus strand). Cytogenetic location: 2q37.3.
Variant type: single nucleotide variant.
Coding change: c.5368C>T on transcript NM_001244008.2 (MANE Select); coding-DNA position 5368, C replaced by T.
Protein change: p.Arg1790Trp; replaces arginine 1790 with tryptophan.
Molecular consequence: missense variant.
Genome position (GRCh38, 1-based): chr2:240,717,372, G>A on the plus strand (C>T on the coding strand, the complement: KIF1A is on the minus strand). VCF-style: chr2-240717372-G-A. GRCh37 (hg19) VCF-style: chr2-241656789-G-A.
Other names: c.5368C>T (NM_001244008.1); c.5092C>T, p.Arg1698Trp (NM_001320705.2, NM_001379649.1); c.5119C>T, p.Arg1707Trp (NM_001330289.2); c.5167C>T, p.Arg1723Trp (NM_001330290.2, NM_001379648.1); c.5443C>T, p.Arg1815Trp (NM_001379631.1); c.5344C>T, p.Arg1782Trp (NM_001379632.1); c.5341C>T, p.Arg1781Trp (NM_001379633.1, NM_001379645.1); c.5194C>T, p.Arg1732Trp (NM_001379634.1); and 10 more; short protein forms R1689W, R1790W, R1707W, R1698W, R1723W, R1677W, R1688W, R1697W.
Identifiers: ClinVar variation 588370 (VCV000588370.34), dbSNP rs375509312, ClinGen allele CA2207084.